The following is an entry in ClinVar:

ClinVar aggregate classification (germline): Likely pathogenic (1 of 4 stars; one submission).

Submission:

Labcorp Genetics (formerly Invitae), Labcorp
Classification: Likely pathogenic. Last evaluated: 2020-01-30. Review status: criteria provided, single submitter. Criteria: Invitae Variant Classification Sherloc (09022015). Collection method: clinical testing. Allele origin: germline.
Comment: In summary, the currently available evidence indicates that the variant is pathogenic, but additional data are needed to prove that conclusively. Therefore, this variant has been classified as Likely Pathogenic. This variant disrupts the p.Trp448 amino acid residue in HPS1. Other variant(s) that disrupt this residue have been determined to be pathogenic (PMID: 26575419). This suggests that this residue is clinically significant, and that variants that disrupt this residue are likely to be disease-causing. Experimental studies and prediction algorithms are not available or were not evaluated, and the functional significance of this variant is currently unknown. This variant has not been reported in the literature in individuals with HPS1-related conditions. This variant is a gross deletion of the genomic region encompassing exons 11-20 of the HPS1 gene. The 5' boundary is likely confined to intron 10. The 3' end of this event is unknown as it extends through the termination codon beyond the assayed region for this gene and may encompass additional genes. While this deletion is not anticipated to result in nonsense mediated decay, it is expected to create a truncated protein product or disrupt mRNA translation.

Literature cited by the submitters: PubMed 26575419.

NC_000010.10:g.(?_100177311)_(100187031_?)del

Gene: HPS1 (HPS1 biogenesis of lysosomal organelles complex 3 subunit 1; minus strand). Cytogenetic location: 10q24.2.
Variant type: Deletion.
Identifiers: ClinVar variation 1067374 (VCV001067374.7).